The following is an entry in ClinVar:

ClinVar aggregate classification (germline): Uncertain significance (1 of 4 stars; one submission).

Conditions:
LAMA2-related muscular dystrophy (LAMA2-RD). Also called: Laminin alpha 2-related dystrophy. Identifiers: MedGen C5679788, MONDO:0100228.

Submission:

Labcorp Genetics (formerly Invitae), Labcorp
Classification: Uncertain significance for LAMA2-related muscular dystrophy. Last evaluated: 2024-12-02. Review status: criteria provided, single submitter. Criteria: Invitae Variant Classification Sherloc (09022015). Collection method: clinical testing. Allele origin: germline.
Comment: This sequence change replaces lysine, which is basic and polar, with glutamic acid, which is acidic and polar, at codon 142 of the LAMA2 protein (p.Lys142Glu). This variant is not present in population databases (gnomAD no frequency). This variant has not been reported in the literature in individuals affected with LAMA2-related conditions. ClinVar contains an entry for this variant (Variation ID: 1717488). Invitae Evidence Modeling of protein sequence and biophysical properties (such as structural, functional, and spatial information, amino acid conservation, physicochemical variation, residue mobility, and thermodynamic stability) has been performed for this missense variant. However, the output from this modeling did not meet the statistical confidence thresholds required to predict the impact of this variant on LAMA2 protein function. In summary, the available evidence is currently insufficient to determine the role of this variant in disease. Therefore, it has been classified as a Variant of Uncertain Significance.

NM_000426.4(LAMA2):c.424A>G (p.Lys142Glu)

Gene: LAMA2 (laminin subunit alpha 2; plus strand). Cytogenetic location: 6q22.33.
Variant type: single nucleotide variant.
Coding change: c.424A>G on transcript NM_000426.4 (MANE Select); coding-DNA position 424, A replaced by G.
Protein change: p.Lys142Glu; replaces lysine 142 with glutamic acid.
Molecular consequence: missense variant.
Genome position (GRCh38, 1-based): chr6:129,098,200, A>G. VCF-style: chr6-129098200-A-G. GRCh37 (hg19) VCF-style: chr6-129419345-A-G.
Other names: c.424A>G, p.Lys142Glu (NM_001079823.2); short protein forms K142E.
Identifiers: ClinVar variation 1717488 (VCV001717488.6), dbSNP rs1775300950, ClinGen allele CA365829098.